The following is an entry in ClinVar:

ClinVar aggregate classification (germline): Uncertain significance (1 of 4 stars; one submission).

Submission:

Labcorp Genetics (formerly Invitae), Labcorp
Classification: Uncertain significance. Last evaluated: 2025-06-26. Review status: criteria provided, single submitter. Criteria: Invitae Variant Classification Sherloc (09022015). Collection method: clinical testing. Allele origin: germline.
Comment: This sequence change creates a premature translational stop signal (p.Asp720Argfs*11) in the SAMD9L gene. While this is not anticipated to result in nonsense mediated decay, it is expected to disrupt the last 865 amino acid(s) of the SAMD9L protein. This variant is not present in population databases (gnomAD no frequency). This variant has not been reported in the literature in individuals affected with SAMD9L-related conditions. In summary, the available evidence is currently insufficient to determine the role of this variant in disease. Therefore, it has been classified as a Variant of Uncertain Significance.

NM_152703.5(SAMD9L):c.2157dup (p.Asp720fs)

Gene: SAMD9L (sterile alpha motif domain containing 9 like; minus strand). Cytogenetic location: 7q21.2.
Variant type: Duplication.
Coding change: c.2157dup on transcript NM_152703.5 (MANE Select); coding-DNA position 2157, one base duplicated (A; older notation c.2157dupA).
Protein change: p.Asp720fs; shifts the reading frame from aspartic acid 720.
Molecular consequence: frameshift variant.
Genome position (GRCh38, 1-based): chr7:93,133,815, T duplicated on the plus strand (A on the coding strand, the reverse complement: SAMD9L is on the minus strand); the first of 3 consecutive T bases (chr7:93,133,815-93,133,817); duplicating any one gives the same sequence. VCF-style (leftmost placement, unchanged base first): chr7-93133814-C-CT. GRCh37 (hg19) VCF-style: chr7-92763127-C-CT.
Other names: c.2157dup, p.Asp720fs (NM_001303496.3, NM_001303497.3, NM_001303498.3 and 5 more transcripts); short protein forms D720fs.
Identifiers: ClinVar variation 4720997 (VCV004720997.1).